The following is an entry in ClinVar:

NC_012920.1(MT-CO2):m.8012G>A

Gene: MT-CO2 (mitochondrially encoded cytochrome c oxidase II; plus strand).
Variant type: single nucleotide variant.
Genome position: chrM-8012-G-A.
Identifiers: ClinVar variation 692808 (VCV000692808.1), dbSNP rs1603221258, ClinGen allele CA414794636.

ClinVar aggregate classification (germline): Uncertain significance (1 of 4 stars; one submission).

Conditions:
Leigh syndrome (NULS). Also called: Leigh's necrotizing encephalopathy; Leigh's disease; Leigh Syndrome (mtDNA deletion); Leigh Disease; Subacute necrotizing encephalopathy; Necrotizing encephalopathy infantile subacute of Leigh. Identifiers: Orphanet 506, MedGen C2931891, MONDO:0009723, OMIM 256000.

Submission:

Wong Mito Lab, Molecular and Human Genetics, Baylor College of Medicine
Classification: Uncertain significance for Leigh syndrome. Last evaluated: 2019-10-17. Review status: criteria provided, single submitter. Criteria: Modified ACMG Guidelines (Unpublished). Collection method: clinical testing. Allele origin: germline.
Comment: The NC_012920.1:m.8012G>A (YP_003024029.1:p.Val143Met) variant in MTCO2 gene is interpretated to be a Uncertain Significance variant based on the modified ACMG guidelines (unpublished). This variant meets the following evidence codes: PP7